The following is an entry in ClinVar:

ClinVar aggregate classification (germline): Uncertain significance. Review status: criteria provided, multiple submitters, no conflicts (2 of 4 stars). 2 submissions from 2 submitters: Uncertain significance (2). Last evaluated 2024-12-10.

Conditions:
Peroxisome biogenesis disorder 12A (Zellweger). Also called: Peroxisome biogenesis disorder 12A. Identifiers: Orphanet 912, MedGen C3554002, MONDO:0013951, OMIM 614886.
Inborn genetic diseases. Identifiers: MedGen C0950123, MeSH D030342.

Allele frequency attached by ClinVar (database versions not stated): TOPMed below 0.00001; gnomAD exomes 0.00001.

Submissions (2):

Ambry Genetics
Classification: Uncertain significance for Inborn genetic diseases. Last evaluated: 2024-12-10. Review status: criteria provided, single submitter. Criteria: Ambry Variant Classification Scheme 2023. Collection method: clinical testing. Allele origin: germline.

Labcorp Genetics (formerly Invitae), Labcorp
Classification: Uncertain significance for Peroxisome biogenesis disorder 12A (Zellweger). Last evaluated: 2023-07-22. Review status: criteria provided, single submitter. Criteria: Invitae Variant Classification Sherloc (09022015). Collection method: clinical testing. Allele origin: germline.
Comment: This sequence change replaces arginine, which is basic and polar, with histidine, which is basic and polar, at codon 247 of the PEX19 protein (p.Arg247His). In summary, the available evidence is currently insufficient to determine the role of this variant in disease. Therefore, it has been classified as a Variant of Uncertain Significance. An algorithm developed to predict the effect of missense changes on protein structure and function (PolyPhen-2) suggests that this variant is likely to be disruptive. This variant has not been reported in the literature in individuals affected with PEX19-related conditions. This variant is present in population databases (no rsID available, gnomAD 0.1%).

NM_002857.4(PEX19):c.740G>A (p.Arg247His)

Gene: PEX19 (peroxisomal biogenesis factor 19; minus strand). Cytogenetic location: 1q23.2.
Variant type: single nucleotide variant.
Coding change: c.740G>A on transcript NM_002857.4 (MANE Select); coding-DNA position 740, G replaced by A.
Protein change: p.Arg247His; replaces arginine 247 with histidine.
Molecular consequence: missense variant. On other transcripts: non-coding transcript variant (2).
Genome position (GRCh38, 1-based): chr1:160,280,101, C>T on the plus strand (G>A on the coding strand, the complement: PEX19 is on the minus strand). VCF-style: chr1-160280101-C-T. GRCh37 (hg19) VCF-style: chr1-160249891-C-T.
Other names: c.740G>A, p.Arg247His (NM_001193644.1); c.740G>A (NM_002857.3); short protein forms R247H.
Identifiers: ClinVar variation 2717414 (VCV002717414.3), dbSNP rs1201969100, ClinGen allele CA343257106.
Genomic context (GRCh38, chr1:160,280,101, plus strand): 5'-ACCAGTGGGCAGAAGGCAAGAGGCCTTACCTGCTGCATAAGATCCAGCACCATCTCAAAA[C>T]GAGCCTTTTGAGTGGTTTCACTGTCTGTGGGGGTCTCTGCCTCAAACTGCTCACATATTT-3'
Protein context (NP_002848.1, residues 237-257): PTDSETTQKA[Arg247His]FEMVLDLMQQ